The following is an entry in ClinVar:

ClinVar aggregate classification (germline): Uncertain significance (1 of 4 stars; one submission).

Allele frequency attached by ClinVar (database versions not stated): ExAC 0.00003; gnomAD 0.00005; ESP Exome Variant Server 0.00015.
gnomAD v4.1: 137 of 1,612,966 alleles (0.0085%); highest among the groups gnomAD compares: Non-Finnish European, 0.011%; no homozygotes.

Submission:

Labcorp Genetics (formerly Invitae), Labcorp
Classification: Uncertain significance. Last evaluated: 2022-03-12. Review status: criteria provided, single submitter. Criteria: Invitae Variant Classification Sherloc (09022015). Collection method: clinical testing. Allele origin: germline.
Comment: This sequence change falls in intron 20 of the NCKAP1L gene. It does not directly change the encoded amino acid sequence of the NCKAP1L protein. It affects a nucleotide within the consensus splice site. This variant is present in population databases (rs376636832, gnomAD 0.01%). This variant has not been reported in the literature in individuals affected with NCKAP1L-related conditions. Variants that disrupt the consensus splice site are a relatively common cause of aberrant splicing (PMID: 17576681, 9536098). Algorithms developed to predict the effect of sequence changes on RNA splicing suggest that this variant is not likely to affect RNA splicing. In summary, the available evidence is currently insufficient to determine the role of this variant in disease. Therefore, it has been classified as a Variant of Uncertain Significance.

Literature cited by the submitters: PubMed 17576681; PubMed 9536098.

NM_005337.5(NCKAP1L):c.2156+4T>C

Gene: NCKAP1L (NCK associated protein 1 like; plus strand). Cytogenetic location: 12q13.2.
Variant type: single nucleotide variant.
Coding change: c.2156+4T>C on transcript NM_005337.5 (MANE Select); 4 bases into the intron after coding-DNA position 2156, T replaced by C.
Molecular consequence: intron variant.
Genome position (GRCh38, 1-based): chr12:54,523,960, T>C. VCF-style: chr12-54523960-T-C. GRCh37 (hg19) VCF-style: chr12-54917744-T-C.
Other names: c.2006+4T>C (NM_001184976.2).
Identifiers: ClinVar variation 2082526 (VCV002082526.1), dbSNP rs376636832, ClinGen allele CA6609344.